The following is an entry in ClinVar:

ClinVar aggregate classification (germline): Uncertain significance (1 of 4 stars; one submission).

Submission:

Ambry Genetics
Classification: Uncertain significance. Last evaluated: 2023-06-21. Review status: criteria provided, single submitter. Criteria: Ambry Variant Classification Scheme 2023. Collection method: clinical testing. Allele origin: germline.
Comment: The p.M879V variant (also known as c.2635A>G), located in coding exon 24 of the PRKDC gene, results from an A to G substitution at nucleotide position 2635. The methionine at codon 879 is replaced by valine, an amino acid with highly similar properties. This amino acid position is conserved. In addition, this alteration is predicted to be tolerated by in silico analysis. Since supporting evidence is limited at this time, the clinical significance of this alteration remains unclear.

NM_006904.7(PRKDC):c.2635A>G (p.Met879Val)

Gene: PRKDC (protein kinase, DNA-activated, catalytic subunit; minus strand). Cytogenetic location: 8q11.21.
Variant type: single nucleotide variant.
Coding change: c.2635A>G on transcript NM_006904.7 (MANE Select); coding-DNA position 2635, A replaced by G.
Protein change: p.Met879Val; replaces methionine 879 with valine.
Molecular consequence: missense variant.
Genome position (GRCh38, 1-based): chr8:47,914,047, T>C on the plus strand (A>G on the coding strand, the complement: PRKDC is on the minus strand). VCF-style: chr8-47914047-T-C. GRCh37 (hg19) VCF-style: chr8-48826607-T-C.
Other names: c.2635A>G, p.Met879Val (NM_001081640.2); short protein forms M879V.
Identifiers: ClinVar variation 2626317 (VCV002626317.2), dbSNP rs1263164456, ClinGen allele CA371159592.